The following is an entry in ClinVar:

ClinVar aggregate classification (germline): Pathogenic (1 of 4 stars; one submission).

Conditions:
Frontotemporal dementia and/or amyotrophic lateral sclerosis 4. Also called: FTDALS4. Identifiers: Orphanet 275872, MedGen C4225325, MONDO:0014641, OMIM 616439.

Submission:

Labcorp Genetics (formerly Invitae), Labcorp
Classification: Pathogenic for Frontotemporal dementia and/or amyotrophic lateral sclerosis 4. Last evaluated: 2025-11-01. Review status: criteria provided, single submitter. Criteria: Invitae Variant Classification Sherloc (09022015). Collection method: clinical testing. Allele origin: germline.
Comment: This sequence change creates a premature translational stop signal (p.Lys589*) in the TBK1 gene. It is expected to result in an absent or disrupted protein product. Loss-of-function variants in TBK1 are known to be pathogenic (PMID: 25803835, 26476236, 26581300). This variant is not present in population databases (gnomAD no frequency). This variant has not been reported in the literature in individuals affected with TBK1-related conditions. For these reasons, this variant has been classified as Pathogenic.

Literature cited by the submitters: PubMed 25803835; PubMed 26476236; PubMed 26581300.

NM_013254.4(TBK1):c.1765A>T (p.Lys589Ter)

Gene: TBK1 (TANK binding kinase 1; plus strand). Cytogenetic location: 12q14.2.
Variant type: single nucleotide variant.
Coding change: c.1765A>T on transcript NM_013254.4 (MANE Select); coding-DNA position 1765, A replaced by T.
Protein change: p.Lys589Ter; replaces lysine 589 with a stop codon.
Molecular consequence: nonsense.
Genome position (GRCh38, 1-based): chr12:64,496,953, A>T. VCF-style: chr12-64496953-A-T. GRCh37 (hg19) VCF-style: chr12-64890733-A-T.
Other names: short protein forms K589*.
Identifiers: ClinVar variation 4743506 (VCV004743506.1).